The following is an entry in ClinVar:

ClinVar aggregate classification (germline): Uncertain significance (1 of 4 stars; one submission).

Submission:

Labcorp Genetics (formerly Invitae), Labcorp
Classification: Uncertain significance. Last evaluated: 2024-07-30. Review status: criteria provided, single submitter. Criteria: Invitae Variant Classification Sherloc (09022015). Collection method: clinical testing. Allele origin: germline.
Comment: This sequence change replaces threonine, which is neutral and polar, with asparagine, which is neutral and polar, at codon 1624 of the TCF20 protein (p.Thr1624Asn). This variant is not present in population databases (gnomAD no frequency). This variant has not been reported in the literature in individuals affected with TCF20-related conditions. An algorithm developed to predict the effect of missense changes on protein structure and function (PolyPhen-2) suggests that this variant is likely to be tolerated. In summary, the available evidence is currently insufficient to determine the role of this variant in disease. Therefore, it has been classified as a Variant of Uncertain Significance.

NM_001378418.1(TCF20):c.4871C>A (p.Thr1624Asn)

Gene: TCF20 (transcription factor 20; minus strand). Cytogenetic location: 22q13.2.
Variant type: single nucleotide variant.
Coding change: c.4871C>A on transcript NM_001378418.1 (MANE Select); coding-DNA position 4871, C replaced by A.
Protein change: p.Thr1624Asn; replaces threonine 1624 with asparagine.
Molecular consequence: missense variant.
Genome position (GRCh38, 1-based): chr22:42,210,435, G>T on the plus strand (C>A on the coding strand, the complement: TCF20 is on the minus strand). VCF-style: chr22-42210435-G-T. GRCh37 (hg19) VCF-style: chr22-42606441-G-T.
Other names: c.4871C>A, p.Thr1624Asn (NM_005650.4, NM_181492.3); short protein forms T1624N.
Identifiers: ClinVar variation 3653042 (VCV003653042.2).